The following is an entry in ClinVar:

ClinVar aggregate classification (germline): Uncertain significance (1 of 4 stars; one submission).

Conditions:
Inborn genetic diseases. Identifiers: MedGen C0950123, MeSH D030342.

Submission:

Ambry Genetics
Classification: Uncertain significance for Inborn genetic diseases. Last evaluated: 2025-02-26. Review status: criteria provided, single submitter. Criteria: Ambry Variant Classification Scheme 2023. Collection method: clinical testing. Allele origin: germline.
Comment: The p.R400H variant (also known as c.1199G>A), located in coding exon 11 of the DDX41 gene, results from a G to A substitution at nucleotide position 1199. The arginine at codon 400 is replaced by histidine, an amino acid with highly similar properties. This amino acid position is highly conserved in available vertebrate species. In addition, this alteration is predicted to be tolerated by in silico analysis. Based on the available evidence, the clinical significance of this variant remains unclear.

NM_016222.4(DDX41):c.1199G>A (p.Arg400His)

Gene: DDX41 (DEAD-box helicase 41; minus strand). Cytogenetic location: 5q35.3.
Variant type: single nucleotide variant.
Coding change: c.1199G>A on transcript NM_016222.4 (MANE Select); coding-DNA position 1199, G replaced by A.
Protein change: p.Arg400His; replaces arginine 400 with histidine.
Molecular consequence: missense variant.
Genome position (GRCh38, 1-based): chr5:177,513,384, C>T on the plus strand (G>A on the coding strand, the complement: DDX41 is on the minus strand). VCF-style: chr5-177513384-C-T. GRCh37 (hg19) VCF-style: chr5-176940385-C-T.
Other names: c.821G>A, p.Arg274His (NM_001321732.2, NM_001321830.2); short protein forms R274H, R400H.
Identifiers: ClinVar variation 3839036 (VCV003839036.1).
Genomic context (GRCh38, chr5:177,513,384, plus strand): 5'-GAGACCGCCCATCAGGAGCACCTGCCCACCTGGATGACATCCAGGCTGGCAGCCCCAGCG[C>T]GCCCCACATTGATGGTCACAGGCTTTACAAGGGCACTCTTAGCAAAGTTCTGAATCTTCT-3'
Protein context (NP_057306.2, residues 390-410): LVKPVTINVG[Arg400His]AGAASLDVIQ